The following is an entry in ClinVar:

NM_001351132.2(PEX5):c.371C>G (p.Ala124Gly)

Gene: PEX5 (peroxisomal biogenesis factor 5; plus strand). Cytogenetic location: 12p13.31.
Variant type: single nucleotide variant.
Coding change: c.371C>G on transcript NM_001351132.2 (MANE Select); coding-DNA position 371, C replaced by G.
Protein change: p.Ala124Gly; replaces alanine 124 with glycine.
Molecular consequence: missense variant.
Genome position (GRCh38, 1-based): chr12:7,191,623, C>G. VCF-style: chr12-7191623-C-G. GRCh37 (hg19) VCF-style: chr12-7344219-C-G.
Other names: c.371C>G, p.Ala124Gly (NM_001374647.2, NM_001374648.2, NM_001374649.2 and 19 more transcripts); c.416C>G, p.Ala139Gly (NM_001131023.2, NM_001351135.3, NM_001351138.2); short protein forms A124G, A139G.
Identifiers: ClinVar variation 289833 (VCV000289833.14), dbSNP rs143307183, ClinGen allele CA6426121.

ClinVar aggregate classification (germline): Uncertain significance. Review status: criteria provided, multiple submitters, no conflicts (2 of 4 stars). 4 submissions from 4 submitters: Uncertain significance (4). Last evaluated 2024-09-12.

Conditions:
Peroxisome biogenesis disorder 2B (PBD2B). Identifiers: Orphanet 44, MedGen C3550234, MONDO:0008736, OMIM 202370.
Peroxisome biogenesis disorder 2A (Zellweger) (PBD2A). Also called: Cerebrohepatorenal syndrome, variant types. Identifiers: Orphanet 912, MedGen C3550273, MONDO:0008954, OMIM 214110.

Allele frequency attached by ClinVar (database versions not stated): TOPMed 0.00013; gnomAD 0.00015; gnomAD exomes 0.00016; ExAC 0.00023; ESP Exome Variant Server 0.00046.
gnomAD v4.1: 183 of 1,613,342 alleles (0.011%); highest among the groups gnomAD compares: South Asian, 0.019%; 1 homozygote.

Submissions (4):

Blueprint Genetics
Classification: Uncertain significance. Last evaluated: 2024-09-12. Review status: criteria provided, single submitter. Criteria: ACMG Guidelines, 2015. Collection method: clinical testing. Allele origin: germline.

Labcorp Genetics (formerly Invitae), Labcorp
Classification: Uncertain significance for Peroxisome biogenesis disorder 2B. Last evaluated: 2022-10-14. Review status: criteria provided, single submitter. Criteria: Invitae Variant Classification Sherloc (09022015). Collection method: clinical testing. Allele origin: germline.
Comment: This sequence change replaces alanine, which is neutral and non-polar, with glycine, which is neutral and non-polar, at codon 124 of the PEX5 protein (p.Ala124Gly). This variant is present in population databases (rs143307183, gnomAD 0.03%). This variant has not been reported in the literature in individuals affected with PEX5-related conditions. ClinVar contains an entry for this variant (Variation ID: 289833). Advanced modeling of protein sequence and biophysical properties (such as structural, functional, and spatial information, amino acid conservation, physicochemical variation, residue mobility, and thermodynamic stability) performed at Invitae indicates that this missense variant is not expected to disrupt PEX5 protein function. In summary, the available evidence is currently insufficient to determine the role of this variant in disease. Therefore, it has been classified as a Variant of Uncertain Significance.

Eurofins Ntd Llc (ga)
Classification: Uncertain significance. Last evaluated: 2018-08-08. Review status: criteria provided, single submitter. Criteria: EGL ClinVar v180209 classification definitions. Collection method: clinical testing. Allele origin: germline. Observed: 2 variant alleles, 2 heterozygotes.

Illumina Laboratory Services, Illumina
Classification: Uncertain significance for Peroxisome biogenesis disorder 2A (Zellweger). Last evaluated: 2018-01-13. Review status: criteria provided, single submitter. Criteria: ICSL Variant Classification Criteria 13 December 2019. Collection method: clinical testing. Allele origin: germline.